The following is an entry in ClinVar:

NM_133642.5(LARGE1):c.118G>T (p.Val40Leu)

Gene: LARGE1 (LARGE xylosyl- and glucuronyltransferase 1; minus strand). Cytogenetic location: 22q12.3.
Variant type: single nucleotide variant.
Coding change: c.118G>T on transcript NM_133642.5 (MANE Select); coding-DNA position 118, G replaced by T.
Protein change: p.Val40Leu; replaces valine 40 with leucine.
Molecular consequence: missense variant.
Genome position (GRCh38, 1-based): chr22:33,650,657, C>A on the plus strand (G>T on the coding strand, the complement: LARGE1 is on the minus strand). VCF-style: chr22-33650657-C-A. GRCh37 (hg19) VCF-style: chr22-34046643-C-A.
Other names: c.118G>T, p.Val40Leu (NM_001362949.2, NM_001362951.2, NM_001362953.2 and 7 more transcripts); c.118G>T (NM_004737.6); short protein forms V40L.
Identifiers: ClinVar variation 1376658 (VCV001376658.5), dbSNP rs188675457, ClinGen allele CA411546583.
Genomic context (GRCh38, chr22:33,650,657, plus strand): 5'-GCTGGCTGGAGGCCGTGTACCTGGGGCTGTGTGCCTGGGACTCCAGCGGTGACAGAGACA[C>A]GGGCTTTCCATCTGGGGAGCGAAACACCAGGGAAGCTTTAATCTGGATGAACCATGCCTC-3'
Protein context (NP_598397.1, residues 30-50): FSGSFEDGKP[Val40Leu]SLSPLESQAH

ClinVar aggregate classification (germline): Uncertain significance. Review status: criteria provided, multiple submitters, no conflicts (2 of 4 stars). 2 submissions from 2 submitters: Uncertain significance (2). Last evaluated 2021-10-28.

Conditions:
Muscular dystrophy-dystroglycanopathy type B6 (MDDGB6). Also called: MUSCULAR DYSTROPHY, CONGENITAL, LARGE-RELATED; MUSCULAR DYSTROPHY, CONGENITAL, TYPE 1D; MUSCULAR DYSTROPHY-DYSTROGLYCANOPATHY (CONGENITAL WITH IMPAIRED INTELLECTUAL DEVELOPMENT), TYPE B, 6. Identifiers: MedGen C1837229, MONDO:0012138, OMIM 608840.

Submissions (2):

Labcorp Genetics (formerly Invitae), Labcorp
Classification: Uncertain significance for Muscular dystrophy-dystroglycanopathy type B6. Last evaluated: 2021-10-28. Review status: criteria provided, single submitter. Criteria: Invitae Variant Classification Sherloc (09022015). Collection method: clinical testing. Allele origin: germline.
Comment: This sequence change replaces valine, which is neutral and non-polar, with leucine, which is neutral and non-polar, at codon 40 of the LARGE1 protein (p.Val40Leu). This variant is not present in population databases (gnomAD no frequency). This variant has not been reported in the literature in individuals affected with LARGE1-related conditions. Algorithms developed to predict the effect of missense changes on protein structure and function (SIFT, PolyPhen-2, Align-GVGD) all suggest that this variant is likely to be tolerated. In summary, the available evidence is currently insufficient to determine the role of this variant in disease. Therefore, it has been classified as a Variant of Uncertain Significance.

Revvity Omics, Revvity
Classification: Uncertain significance. Last evaluated: 2021-06-01. Review status: criteria provided, single submitter. Criteria: ACMG Guidelines, 2015. Collection method: clinical testing. Allele origin: germline.